The following is an entry in ClinVar:

ClinVar aggregate classification (germline): Uncertain significance (1 of 4 stars; one submission).

Submission:

Labcorp Genetics (formerly Invitae), Labcorp
Classification: Uncertain significance. Last evaluated: 2023-01-25. Review status: criteria provided, single submitter. Criteria: Invitae Variant Classification Sherloc (09022015). Collection method: clinical testing. Allele origin: germline.
Comment: Information on the frequency of this variant in the gnomAD database is not available, as this variant may be reported differently in the database. In summary, the available evidence is currently insufficient to determine the role of this variant in disease. Therefore, it has been classified as a Variant of Uncertain Significance. Variants that disrupt the consensus splice site are a relatively common cause of aberrant splicing (PMID: 17576681, 9536098). Experimental studies and prediction algorithms are not available or were not evaluated, and the effect of this variant on mRNA splicing is currently unknown. This variant has not been reported in the literature in individuals affected with SEPT9-related conditions. This sequence change falls in intron 1 of the SEPT9 gene. It does not directly change the encoded amino acid sequence of the SEPT9 protein. It affects a nucleotide within the consensus splice site.

Literature cited by the submitters: PubMed 17576681; PubMed 9536098.

NM_001113491.2(SEPTIN9):c.76+13156_76+13157delinsCG

Gene: SEPTIN9 (septin 9; plus strand). Cytogenetic location: 17q25.3.
Variant type: Indel.
Coding change: c.76+13156_76+13157delinsCG on transcript NM_001113491.2 (MANE Select); bases 13156 to 13157 of the intron after coding-DNA position 76, GC replaced by CG.
Molecular consequence: intron variant.
Genome position (GRCh38, 1-based): chr17:77,320,353-77,320,354, GC replaced by CG. VCF-style: chr17-77320353-GC-CG. GRCh37 (hg19) VCF-style: chr17-75316435-GC-CG.
Other names: c.19+38799_19+38800delinsCG (NM_001293695.2); c.-417+13156_-417+13157delinsCG (NM_001113492.2); c.22+5_22+6delinsCG (NM_006640.5).
Identifiers: ClinVar variation 2831862 (VCV002831862.3), dbSNP rs2509729665, ClinGen allele CA2739268453.